The following is an entry in ClinVar:

ClinVar aggregate classification (germline): Uncertain significance (1 of 4 stars; one submission).

Allele frequency attached by ClinVar (database versions not stated): TOPMed below 0.00001; gnomAD exomes 0.00001.
gnomAD v4.1: 4 of 1,614,218 alleles (0.00025%); highest among the groups gnomAD compares: South Asian, 0.0044%; no homozygotes.

Submission:

GeneDx
Classification: Uncertain significance. Last evaluated: 2022-01-18. Review status: criteria provided, single submitter. Criteria: GeneDx Variant Classification Process June 2021. Collection method: clinical testing. Allele origin: germline. Affected: yes.
Comment: Not observed at significant frequency in large population cohorts (gnomAD); In silico analysis supports that this missense variant does not alter protein structure/function; Has not been previously published as pathogenic or benign to our knowledge

NM_001197104.2(KMT2A):c.8351A>G (p.Asp2784Gly)

Gene: KMT2A (lysine methyltransferase 2A; plus strand). Cytogenetic location: 11q23.3.
Variant type: single nucleotide variant.
Coding change: c.8351A>G on transcript NM_001197104.2 (MANE Select); coding-DNA position 8351, A replaced by G.
Protein change: p.Asp2784Gly; replaces aspartic acid 2784 with glycine.
Molecular consequence: missense variant.
Genome position (GRCh38, 1-based): chr11:118,504,243, A>G. VCF-style: chr11-118504243-A-G. GRCh37 (hg19) VCF-style: chr11-118374958-A-G.
Other names: c.8342A>G, p.Asp2781Gly (NM_005933.4); short protein forms D2781G, D2784G.
Identifiers: ClinVar variation 1696894 (VCV001696894.2), dbSNP rs1040253228, ClinGen allele CA229528893.